The following is an entry in ClinVar:

ClinVar aggregate classification (germline): Uncertain significance (1 of 4 stars; one submission).

Conditions:
Gastrointestinal stromal tumor. Also called: Gastrointestinal stromal tumor, somatic; Gastrointestinal stroma tumor. Identifiers: Orphanet 44890, MedGen C0238198, MeSH D046152, MONDO:0011719, OMIM 606764, HP:0100723.

Submission:

Labcorp Genetics (formerly Invitae), Labcorp
Classification: Uncertain significance for Gastrointestinal stromal tumor. Last evaluated: 2023-11-19. Review status: criteria provided, single submitter. Criteria: Invitae Variant Classification Sherloc (09022015). Collection method: clinical testing. Allele origin: germline.
Comment: This sequence change replaces threonine, which is neutral and polar, with serine, which is neutral and polar, at codon 446 of the KIT protein (p.Thr446Ser). This variant is not present in population databases (gnomAD no frequency). This variant has not been reported in the literature in individuals affected with KIT-related conditions. Algorithms developed to predict the effect of missense changes on protein structure and function output the following: SIFT: "Not Available"; PolyPhen-2: "Benign"; Align-GVGD: "Not Available". The serine amino acid residue is found in multiple mammalian species, which suggests that this missense change does not adversely affect protein function. In summary, the available evidence is currently insufficient to determine the role of this variant in disease. Therefore, it has been classified as a Variant of Uncertain Significance.

NM_000222.3(KIT):c.1337C>G (p.Thr446Ser)

Gene: KIT (KIT proto-oncogene, receptor tyrosine kinase; plus strand). Cytogenetic location: 4q12.
Variant type: single nucleotide variant.
Coding change: c.1337C>G on transcript NM_000222.3 (MANE Select); coding-DNA position 1337, C replaced by G.
Protein change: p.Thr446Ser; replaces threonine 446 with serine.
Molecular consequence: missense variant.
Genome position (GRCh38, 1-based): chr4:54,723,689, C>G. VCF-style: chr4-54723689-C-G. GRCh37 (hg19) VCF-style: chr4-55589855-C-G.
Other names: c.1340C>G, p.Thr447Ser (NM_001385292.1, NM_001385284.1, NM_001385288.1 and 1 more transcripts); c.1337C>G, p.Thr446Ser (NM_001093772.2, NM_001385285.1, NM_001385286.1); short protein forms T447S, T446S.
Identifiers: ClinVar variation 2697235 (VCV002697235.3), dbSNP rs761984908, ClinGen allele CA356905767.
Genomic context (GRCh38, chr4:54,723,689, plus strand): 5'-TCCAATGTGTGGCAGCAGGATTCCCAGAGCCCACAATAGATTGGTATTTTTGTCCAGGAA[C>G]TGAGCAGAGGTGAGATGATTATTTTTGGCACTGCTTATAATGCAGAGGGGAAGGACTGCA-3'
Protein context (NP_000213.1, residues 436-456): PTIDWYFCPG[Thr446Ser]EQRCSASVLP